The following is an entry in ClinVar:

ClinVar aggregate classification (germline): Benign/Likely benign. Review status: criteria provided, multiple submitters, no conflicts (2 of 4 stars). 7 submissions from 7 submitters: Benign (1); Likely benign (6). Last evaluated 2026-01-11.

Conditions:
Hereditary cancer-predisposing syndrome. Also called: Hereditary neoplastic syndrome; Neoplastic Syndromes, Hereditary; Tumor predisposition; Hereditary Cancer Syndrome. Identifiers: Orphanet 140162, MedGen C0027672, MeSH D009386, MONDO:0015356.
Fanconi anemia complementation group J. Also called: BRIP1-Related Fanconi Anemia. Identifiers: Orphanet 84, MedGen C1836860, MONDO:0012187, OMIM 609054.
Familial cancer of breast. Also called: BREAST CANCER, FAMILIAL; hereditary breast carcinoma; Hereditary breast cancer. Identifiers: Orphanet 227535, MedGen C0346153, MONDO:0016419, OMIM 114480. Disease mechanism: loss of function.

Allele frequency attached by ClinVar (database versions not stated): gnomAD exomes below 0.00001; TOPMed below 0.00001.
gnomAD v4.1: 1 of 1,614,170 alleles (0.000062%); no homozygotes.

Submissions (7):

Labcorp Genetics (formerly Invitae), Labcorp
Classification: Likely benign for Familial cancer of breast; Fanconi anemia complementation group J. Last evaluated: 2026-01-11. Review status: criteria provided, single submitter. Criteria: Invitae Variant Classification Sherloc (09022015). Collection method: clinical testing. Allele origin: germline.

Myriad Genetics, Inc.
Classification: Benign for Familial cancer of breast. Last evaluated: 2024-08-21. Review status: criteria provided, single submitter. Criteria: Myriad Autosomal Dominant, Autosomal Recessive and X-Linked Classification Criteria (2023). Collection method: clinical testing. Allele origin: unknown.
Comment: This variant is considered benign. This variant is a silent/synonymous amino acid change and it is not expected to impact splicing.

Women's Health and Genetics/Laboratory Corporation of America, LabCorp
Classification: Likely benign. Last evaluated: 2022-09-08. Review status: criteria provided, single submitter. Criteria: LabCorp Variant Classification Summary - May 2015. Collection method: clinical testing. Allele origin: germline.

Sema4
Classification: Likely benign for Hereditary cancer-predisposing syndrome. Last evaluated: 2021-12-22. Review status: criteria provided, single submitter. Criteria: Sema4 Curation Guidelines. Collection method: curation. Allele origin: germline.

GeneDx
Classification: Likely benign. Last evaluated: 2019-08-09. Review status: criteria provided, single submitter. Criteria: GeneDx Variant Classification Process June 2021. Collection method: clinical testing. Allele origin: germline. Affected: yes.

Color Diagnostics, LLC DBA Color Health
Classification: Likely benign for Hereditary cancer-predisposing syndrome. Last evaluated: 2016-11-15. Review status: criteria provided, single submitter. Criteria: ACMG Guidelines, 2015. Collection method: clinical testing. Allele origin: germline.

Ambry Genetics
Classification: Likely benign for Hereditary cancer-predisposing syndrome. Last evaluated: 2016-04-28. Review status: criteria provided, single submitter. Criteria: Ambry Variant Classification Scheme 2023. Collection method: clinical testing. Allele origin: germline.

NM_032043.3(BRIP1):c.288A>G (p.Thr96=)

Gene: BRIP1 (BRCA1 interacting DNA helicase 1; minus strand). Cytogenetic location: 17q23.2.
Variant type: single nucleotide variant.
Coding change: c.288A>G on transcript NM_032043.3 (MANE Select); coding-DNA position 288, A replaced by G.
Protein change: p.Thr96=; no amino-acid change (threonine 96 retained).
Molecular consequence: synonymous variant.
Genome position (GRCh38, 1-based): chr17:61,857,149, T>C on the plus strand (A>G on the coding strand, the complement: BRIP1 is on the minus strand). VCF-style: chr17-61857149-T-C. GRCh37 (hg19) VCF-style: chr17-59934510-T-C.
Identifiers: ClinVar variation 461130 (VCV000461130.23), dbSNP rs1278121295, ClinGen allele CA501151398.
Genomic context (GRCh38, chr17:61,857,149, plus strand): 5'-AGAAGGTGGTGTGCTTGGATAGTTGAAATGACGTGAAGTTCCTTGGTTCATGTCATTGTT[T>C]GTAAAATCCTTTGAATGGCATGCACAACAACATGACAATTGTACTTCAGCTTTTTCACTT-3'
Protein context (NP_114432.2, residues 86-106): CCCACHSKDF[Thr96=]NNDMNQGTSR